The following is an entry in ClinVar:

NM_020937.4(FANCM):c.3190A>C (p.Ser1064Arg)

Gene: FANCM (FA complementation group M; plus strand). Cytogenetic location: 14q21.2.
Variant type: single nucleotide variant.
Coding change: c.3190A>C on transcript NM_020937.4 (MANE Select); coding-DNA position 3190, A replaced by C.
Protein change: p.Ser1064Arg; replaces serine 1064 with arginine.
Molecular consequence: missense variant.
Genome position (GRCh38, 1-based): chr14:45,175,944, A>C. VCF-style: chr14-45175944-A-C. GRCh37 (hg19) VCF-style: chr14-45645147-A-C.
Other names: c.3112A>C, p.Ser1038Arg (NM_001308133.2); short protein forms S1038R, S1064R.
Identifiers: ClinVar variation 4885799 (VCV004885799.2).

ClinVar aggregate classification (germline): Uncertain significance (1 of 4 stars; one submission).

gnomAD v4.1: 2 of 1,613,452 alleles (0.00012%); highest among the groups gnomAD compares: Non-Finnish European, 0.000085%; no homozygotes.

Submission:

Dasa
Classification: Uncertain significance. Last evaluated: 2025-11-29. Review status: criteria provided, single submitter. Criteria: DASA Assertion Criteria. Collection method: clinical testing. Allele origin: germline.
Comment: NM_020937.4(FANCM):c.3190A>C (p.Ser1064Arg) is a missense variant that results in the substitution of serine with arginine. This variant is rare in population databases. Computational prediction algorithms are consistent with a benign effect. The currently available literature and clinical evidence are not sufficient to establish a definitive association between this variant and the reported condition. Therefore, this variant is classified as a variant of uncertain significance.